The following is an entry in ClinVar:

NM_001134407.3(GRIN2A):c.2759G>C (p.Arg920Thr)

Gene: GRIN2A (glutamate ionotropic receptor NMDA type subunit 2A; minus strand). Cytogenetic location: 16p13.2.
Variant type: single nucleotide variant.
Coding change: c.2759G>C on transcript NM_001134407.3 (MANE Select); coding-DNA position 2759, G replaced by C.
Protein change: p.Arg920Thr; replaces arginine 920 with threonine.
Molecular consequence: missense variant.
Genome position (GRCh38, 1-based): chr16:9,764,785, C>G on the plus strand (G>C on the coding strand, the complement: GRIN2A is on the minus strand). VCF-style: chr16-9764785-C-G. GRCh37 (hg19) VCF-style: chr16-9858642-C-G.
Other names: c.2759G>C, p.Arg920Thr (NM_000833.5, NM_001134408.2); short protein forms R920T.
Identifiers: ClinVar variation 1911579 (VCV001911579.6), dbSNP rs2141137302, ClinGen allele CA394709418.

ClinVar aggregate classification (germline): Uncertain significance. Review status: criteria provided, multiple submitters, no conflicts (2 of 4 stars). 2 submissions from 2 submitters: Uncertain significance (2). Last evaluated 2025-12-15.

Conditions:
Landau-Kleffner syndrome (FESD). Also called: EPILEPSY, FOCAL, WITH SPEECH DISORDER AND WITH OR WITHOUT MENTAL RETARDATION; APHASIA, ACQUIRED, WITH EPILEPSY. Identifiers: Orphanet 1945, Orphanet 725, Orphanet 98818, MedGen C0282512, MONDO:0009509, OMIM 245570.

Submissions (2):

Women's Health and Genetics/Laboratory Corporation of America, LabCorp
Classification: Uncertain significance. Last evaluated: 2025-12-15. Review status: criteria provided, single submitter. Criteria: LabCorp Variant Classification Summary - May 2015. Collection method: clinical testing. Allele origin: germline.
Comment: Variant summary: GRIN2A c.2759G>C (p.Arg920Thr) results in a non-conservative amino acid change in the encoded protein sequence. Algorithms developed to predict the effect of missense changes on protein structure and function are either unavailable or do not agree on the potential impact of this missense change. The variant was absent in 251384 control chromosomes. The available data on variant occurrences in the general population are insufficient to allow any conclusion about variant significance. To our knowledge, no occurrence of c.2759G>C in individuals affected with GRIN2A-related conditions and no experimental evidence demonstrating its impact on protein function have been reported. ClinVar contains an entry for this variant (Variation ID: 1911579). Based on the evidence outlined above, the variant was classified as uncertain significance.

Labcorp Genetics (formerly Invitae), Labcorp
Classification: Uncertain significance for Landau-Kleffner syndrome. Last evaluated: 2023-08-11. Review status: criteria provided, single submitter. Criteria: Invitae Variant Classification Sherloc (09022015). Collection method: clinical testing. Allele origin: germline.
Comment: In summary, the available evidence is currently insufficient to determine the role of this variant in disease. Therefore, it has been classified as a Variant of Uncertain Significance. Advanced modeling of protein sequence and biophysical properties (such as structural, functional, and spatial information, amino acid conservation, physicochemical variation, residue mobility, and thermodynamic stability) performed at Invitae indicates that this missense variant is not expected to disrupt GRIN2A protein function. ClinVar contains an entry for this variant (Variation ID: 1911579). This variant has not been reported in the literature in individuals affected with GRIN2A-related conditions. This variant is not present in population databases (gnomAD no frequency). This sequence change replaces arginine, which is basic and polar, with threonine, which is neutral and polar, at codon 920 of the GRIN2A protein (p.Arg920Thr).